The following is an entry in ClinVar:

NM_000214.3(JAG1):c.36C>T (p.Arg12=)

Gene: JAG1 (jagged canonical Notch ligand 1; minus strand). Cytogenetic location: 20p12.2.
Variant type: single nucleotide variant.
Coding change: c.36C>T on transcript NM_000214.3 (MANE Select); coding-DNA position 36, C replaced by T.
Protein change: p.Arg12=; no amino-acid change (arginine 12 retained).
Molecular consequence: synonymous variant.
Genome position (GRCh38, 1-based): chr20:10,673,495, G>A on the plus strand (C>T on the coding strand, the complement: JAG1 is on the minus strand). VCF-style: chr20-10673495-G-A. GRCh37 (hg19) VCF-style: chr20-10654143-G-A.
Identifiers: ClinVar variation 3049704 (VCV003049704.2), dbSNP rs886042810, ClinGen allele CA509663364.

ClinVar aggregate classification (germline): Likely benign (0 of 4 stars; one submission).

Conditions:
JAG1-related disorder. Also called: JAG1-related disorders; JAG1-related condition.

Allele frequency attached by ClinVar (database versions not stated): TOPMed 0.00001.
gnomAD v4.1: 3 of 1,284,180 alleles (0.00023%); highest among the groups gnomAD compares: African/African-American, 0.0015%; no homozygotes.

Submission:

PreventionGenetics, part of Exact Sciences
Classification: Likely benign for JAG1-related condition. Last evaluated: 2024-01-03. Review status: no assertion criteria provided. Collection method: clinical testing. Allele origin: germline.
Comment: This variant is classified as likely benign based on ACMG/AMP sequence variant interpretation guidelines (Richards et al. 2015 PMID: 25741868, with internal and published modifications).